The following is an entry in ClinVar:

NM_172107.4(KCNQ2):c.1244C>A (p.Pro415Gln)

Gene: KCNQ2 (potassium voltage-gated channel subfamily Q member 2; minus strand). Cytogenetic location: 20q13.33.
Variant type: single nucleotide variant.
Coding change: c.1244C>A on transcript NM_172107.4 (MANE Select); coding-DNA position 1244, C replaced by A.
Protein change: p.Pro415Gln; replaces proline 415 with glutamine.
Molecular consequence: missense variant.
Genome position (GRCh38, 1-based): chr20:63,424,180, G>T on the plus strand (C>A on the coding strand, the complement: KCNQ2 is on the minus strand). VCF-style: chr20-63424180-G-T. GRCh37 (hg19) VCF-style: chr20-62055533-G-T.
Other names: c.1244C>A (NM_172107.2); c.1244C>A, p.Pro415Gln (NM_001382235.1, NM_172106.3, NM_172108.5); c.1214C>A, p.Pro405Gln (NM_004518.6); short protein forms P405Q, P415Q.
Identifiers: ClinVar variation 1721184 (VCV001721184.6), dbSNP rs2516278445, ClinGen allele CA409649179.
Genomic context (GRCh38, chr20:63,424,180, plus strand): 5'-AGAGACCAGACGGCCGTGCACACGGCAGACACCAGGGTAGCAGCAGGGGGCACTGACCTT[G>T]GAGACGGCTCCGGCGGGGGGTCCTTCCTTCAAACAGAAGCAACAGAGAGTTAGTGGCCGC-3'
Protein context (NP_742105.1, residues 405-425): FRKDPPPEPS[Pro415Gln]SKGSPCRGPL

ClinVar aggregate classification (germline): Uncertain significance. Review status: criteria provided, multiple submitters, no conflicts (2 of 4 stars). 2 submissions from 2 submitters: Uncertain significance (2). Last evaluated 2024-12-20.

Conditions:
Early-infantile DEE. Also called: Early infantile epileptic encephalopathy with suppression bursts; Early infantile epileptic encephalopathy; Ohtahara syndrome. Identifiers: Orphanet 1934, MedGen C0393706, MONDO:0800491.

Submissions (2):

GeneDx
Classification: Uncertain significance. Last evaluated: 2024-12-20. Review status: criteria provided, single submitter. Criteria: GeneDx Variant Classification Process June 2021. Collection method: clinical testing. Allele origin: germline. Affected: yes.
Comment: Not observed at significant frequency in large population cohorts (gnomAD); In silico analysis supports that this missense variant has a deleterious effect on protein structure/function; Has not been previously published as pathogenic or benign to our knowledge; This substitution is predicted to be within the C-terminal cytoplasmic domain

Labcorp Genetics (formerly Invitae), Labcorp
Classification: Uncertain significance for Early-infantile DEE. Last evaluated: 2022-10-07. Review status: criteria provided, single submitter. Criteria: Invitae Variant Classification Sherloc (09022015). Collection method: clinical testing. Allele origin: germline.
Comment: This sequence change replaces proline, which is neutral and non-polar, with glutamine, which is neutral and polar, at codon 415 of the KCNQ2 protein (p.Pro415Gln). This variant is not present in population databases (gnomAD no frequency). This variant has not been reported in the literature in individuals affected with KCNQ2-related conditions. Algorithms developed to predict the effect of missense changes on protein structure and function are either unavailable or do not agree on the potential impact of this missense change (SIFT: "Tolerated"; PolyPhen-2: "Possibly Damaging"; Align-GVGD: "Class C0"). In summary, the available evidence is currently insufficient to determine the role of this variant in disease. Therefore, it has been classified as a Variant of Uncertain Significance.